The following is an entry in ClinVar:

NM_012414.4(RAB3GAP2):c.950A>G (p.Tyr317Cys)

Gene: RAB3GAP2 (RAB3 GTPase activating non-catalytic protein subunit 2; minus strand). Cytogenetic location: 1q41.
Variant type: single nucleotide variant.
Coding change: c.950A>G on transcript NM_012414.4 (MANE Select); coding-DNA position 950, A replaced by G.
Protein change: p.Tyr317Cys; replaces tyrosine 317 with cysteine.
Molecular consequence: missense variant.
Genome position (GRCh38, 1-based): chr1:220,196,260, T>C on the plus strand (A>G on the coding strand, the complement: RAB3GAP2 is on the minus strand). VCF-style: chr1-220196260-T-C. GRCh37 (hg19) VCF-style: chr1-220369602-T-C.
Other names: short protein forms Y317C.
Identifiers: ClinVar variation 1209569 (VCV001209569.12), dbSNP rs371921545, ClinGen allele CA1402822.

ClinVar aggregate classification (germline): Uncertain significance. Review status: criteria provided, multiple submitters, no conflicts (2 of 4 stars). 4 submissions from 4 submitters: Uncertain significance (4). Last evaluated 2024-12-02.

Conditions:
Inborn genetic diseases. Identifiers: MedGen C0950123, MeSH D030342.
Martsolf syndrome (MARTS). Also called: Congenital cataract with intellectual disability and hypogonadotropic hypogonadism syndrome. Identifiers: Orphanet 1387, MedGen C0796037, MONDO:0023910.
Warburg micro syndrome 2 (WARBM2). Also called: MICRO SYNDROME 2. Identifiers: Orphanet 2510, MedGen C3280214, MONDO:0013641, OMIM 614225.

Allele frequency attached by ClinVar (database versions not stated): gnomAD 0.00002 and 0.00003; TOPMed 0.00003; gnomAD exomes 0.00004; ExAC 0.00006; ESP Exome Variant Server 0.00008.
gnomAD v4.1: 42 of 1,613,254 alleles (0.0026%); highest among the groups gnomAD compares: South Asian, 0.014%; no homozygotes.

Submissions (4):

Labcorp Genetics (formerly Invitae), Labcorp
Classification: Uncertain significance for Martsolf syndrome; Warburg micro syndrome 2. Last evaluated: 2024-12-02. Review status: criteria provided, single submitter. Criteria: Invitae Variant Classification Sherloc (09022015). Collection method: clinical testing. Allele origin: germline.
Comment: This sequence change replaces tyrosine, which is neutral and polar, with cysteine, which is neutral and slightly polar, at codon 317 of the RAB3GAP2 protein (p.Tyr317Cys). This variant is present in population databases (rs371921545, gnomAD 0.02%). This variant has not been reported in the literature in individuals affected with RAB3GAP2-related conditions. ClinVar contains an entry for this variant (Variation ID: 1209569). Invitae Evidence Modeling of protein sequence and biophysical properties (such as structural, functional, and spatial information, amino acid conservation, physicochemical variation, residue mobility, and thermodynamic stability) indicates that this missense variant is not expected to disrupt RAB3GAP2 protein function with a negative predictive value of 80%. In summary, the available evidence is currently insufficient to determine the role of this variant in disease. Therefore, it has been classified as a Variant of Uncertain Significance.

Ambry Genetics
Classification: Uncertain significance for Inborn genetic diseases. Last evaluated: 2022-07-08. Review status: criteria provided, single submitter. Criteria: Ambry Variant Classification Scheme 2023. Collection method: clinical testing. Allele origin: germline.

GeneDx
Classification: Uncertain significance. Last evaluated: 2020-02-10. Review status: criteria provided, single submitter. Criteria: GeneDx Variant Classification Process June 2021. Collection method: clinical testing. Allele origin: germline. Affected: yes.
Comment: In silico analysis supports that this missense variant has a deleterious effect on protein structure/function; Has not been previously published as pathogenic or benign to our knowledge

Breakthrough Genomics
Classification: Uncertain significance. Review status: criteria provided, single submitter. Criteria: ACMG Guidelines, 2015. Collection method: not provided. Allele origin: germline. Inheritance: Autosomal recessive inheritance. Affected: yes.